The following is an entry in ClinVar:

ClinVar aggregate classification (germline): Likely benign (0 of 4 stars; one submission).

Conditions:
PLXNA3-related disorder. Also called: PLXNA3-related condition.

Allele frequency attached by ClinVar (database versions not stated): ESP Exome Variant Server 0.00009; gnomAD 0.00014; 1000 Genomes Project 30x 0.00021; ExAC 0.00021; TOPMed 0.00022; 1000 Genomes Project 0.00026.
gnomAD v4.1: 112 of 1,201,876 alleles (0.0093%); highest among the groups gnomAD compares: African/African-American, 0.056%; no homozygotes.

Submission:

PreventionGenetics, part of Exact Sciences
Classification: Likely benign for PLXNA3-related condition. Last evaluated: 2022-09-08. Review status: no assertion criteria provided. Collection method: clinical testing. Allele origin: germline.
Comment: This variant is classified as likely benign based on ACMG/AMP sequence variant interpretation guidelines (Richards et al. 2015 PMID: 25741868, with internal and published modifications).

NM_017514.5(PLXNA3):c.1234G>A (p.Asp412Asn)

Gene: PLXNA3 (plexin A3; plus strand). Cytogenetic location: Xq28.
Variant type: single nucleotide variant.
Coding change: c.1234G>A on transcript NM_017514.5 (MANE Select); coding-DNA position 1234, G replaced by A.
Protein change: p.Asp412Asn; replaces aspartic acid 412 with asparagine.
Molecular consequence: missense variant.
Genome position (GRCh38, 1-based): chrX:154,462,227, G>A. VCF-style: chrX-154462227-G-A. GRCh37 (hg19) VCF-style: chrX-153690567-G-A.
Other names: short protein forms D412N.
Identifiers: ClinVar variation 3053630 (VCV003053630.2), dbSNP rs199501544, ClinGen allele CA10563958.